The following is an entry in ClinVar:

NM_000202.8(IDS):c.687del (p.His229fs)

Genes: IDS (iduronate 2-sulfatase; minus strand), LOC106050102 (IDS recombination region; plus strand). Cytogenetic location: Xq28.
Variant type: Deletion.
Coding change: c.687del on transcript NM_000202.8 (MANE Select); coding-DNA position 687, one base deleted (C; older notation c.687delC).
Protein change: p.His229fs; shifts the reading frame from histidine 229.
Molecular consequence: frameshift variant. On other transcripts: non-coding transcript variant (1).
Genome position (GRCh38, 1-based): chrX:149,498,128, G deleted on the plus strand (C on the coding strand, the reverse complement: IDS is on the minus strand). VCF-style (leftmost placement, unchanged base first): chrX-149498127-TG-T. GRCh37 (hg19) VCF-style: chrX-148579658-TG-T.
Other names: c.417del, p.His139fs (NM_001166550.4); c.687del, p.His229fs (NM_006123.5); short protein forms H139fs, H229fs.
Identifiers: ClinVar variation 988679 (VCV000988679.3), dbSNP rs2089450471, ClinGen allele CA2465009203.

ClinVar aggregate classification (germline): Pathogenic. Review status: criteria provided, single submitter (1 of 4 stars). 2 submissions from 2 submitters: Pathogenic (1). 1 of the submissions does not count toward it. Last evaluated 2024-06-07.

Conditions:
Mucopolysaccharidosis, MPS-II (MPS2). Also called: IDS deficiency; Sulfoiduronate sulfatase deficiency; SIDS deficiency; Mucopolysaccharidosis type 2; Mucopolysaccharidosis Type II; Attenuated MPS (subtype; formerly known as mild MPS II). Identifiers: Orphanet 580, Orphanet 79388, MedGen C0026705, MONDO:0010674, OMIM 309900.

Submissions (2):

Laboratory of Diagnosis and Therapy of Lysosomal Disorders, University of Padova
Classification: Pathogenic for Mucopolysaccharidosis, MPS-II. Last evaluated: 2024-06-07. Review status: criteria provided, single submitter. Criteria: ACMG Guidelines, 2015. Collection method: literature only. Allele origin: germline. Affected: yes. Observed: 1 variant allele.
Comment: Null variant (PVS1_VeryStrong), De novo (PS2_Strong), Absent from controls (or at low frequency) in gnomAD database (PM2_Moderate), Patient’s phenotype or family history highly specific for the disease (PP4_Strong)

Classification method: ACMG Guidelines [PMID:25741868] with modifications

Laboratory of Inherited Metabolic Diseases, Research centre for medical genetics
Classification: Pathogenic for Mucopolysaccharidosis, type II; MPS2. Review status: no assertion criteria provided. Collection method: research. Allele origin: germline. Affected: yes. Not counted in ClinVar's aggregate classification.

Literature cited by the submitters: PubMed 33676511 (cited by Laboratory of Diagnosis and Therapy of Lysosomal Disorders, University of Padova).